The following is an entry in ClinVar:

NM_000169.3(GLA):c.92C>G (p.Ala31Gly)

Genes: GLA (galactosidase alpha; minus strand), RPL36A-HNRNPH2 (RPL36A-HNRNPH2 readthrough; plus strand). Cytogenetic location: Xq22.1.
Variant type: single nucleotide variant.
Coding change: c.92C>G on transcript NM_000169.3 (MANE Select); coding-DNA position 92, C replaced by G.
Protein change: p.Ala31Gly; replaces alanine 31 with glycine.
Molecular consequence: missense variant. On other transcripts: non-coding transcript variant (3), intron variant (2).
Genome position (GRCh38, 1-based): chrX:101,407,812, G>C on the plus strand (C>G on the coding strand, the complement: GLA is on the minus strand). VCF-style: chrX-101407812-G-C. GRCh37 (hg19) VCF-style: chrX-100662800-G-C.
Other names: c.92C>G, p.Ala31Gly (NM_001406747.1, NM_001406748.1, NM_001406749.1); c.301-4124G>C (NM_001199973.2); c.178-4124G>C (NM_001199974.2); short protein forms A31G.
Identifiers: ClinVar variation 1314675 (VCV001314675.3), dbSNP rs869312448, ClinGen allele CA413937438.
Genomic context (GRCh38, chrX:101,407,812, plus strand): 5'-ATGAAGCGCTCCCAGTGCAGCCAGCCCATGGTAGGCGTCCTTGCCAATCCATTGTCCAGT[G>C]CTCTAGCCCCAGGGATGTCCCAGGAAACGAGGGCCAGGAAGCGAAGCGCAAGCGCGCAGC-3'
Protein context (NP_000160.1, residues 21-41): LVSWDIPGAR[Ala31Gly]LDNGLARTPT

ClinVar aggregate classification (germline): Uncertain significance. Review status: criteria provided, multiple submitters, no conflicts (2 of 4 stars). 2 submissions from 2 submitters: Uncertain significance (2). Last evaluated 2025-05-15.

Conditions:
Fabry disease. Also called: Fabry's disease; Ceramide trihexosidosis; Angiokeratoma corporis diffusum; ALPHA-GALACTOSIDASE A DEFICIENCY; ANDERSON-FABRY DISEASE; CERAMIDE TRIHEXOSIDASE DEFICIENCY. Identifiers: Orphanet 324, MedGen C0002986, MONDO:0010526, OMIM 301500, HP:0001071. Disease mechanism: Fabry disease is due to inactivating mutations in the X-linked GLA gene resulting in deficiency of the enzyme Alpha Galactosidase-A., loss of function.

Submissions (2):

3billion
Classification: Uncertain significance for Fabry disease. Last evaluated: 2025-05-15. Review status: criteria provided, single submitter. Criteria: ACMG Guidelines, 2015. Collection method: clinical testing. Allele origin: germline. Affected: yes.
Comment: The variant is not observed in the gnomAD v4.1.0 dataset. Predicted Consequence/Location: Missense variant Damaging effect on gene or gene product predicted by in silico programs is uncertain [REVEL: 0.47 (damaging >=0.6, benign <0.4), 3Cnet: 0.33 (damaging >0.75, benign <0.1)]. A different missense change at the same codon (p.Ala31Val) has been reported as pathogenic/likely pathogenic with strong evidence (ClinVar ID: VCV000222450 /PMID: 9100224). Therefore, this variant is classified as VUS according to the recommendation of ACMG/AMP guideline.

GeneDx
Classification: Uncertain significance. Last evaluated: 2021-04-13. Review status: criteria provided, single submitter. Criteria: GeneDx Variant Classification Process June 2021. Collection method: clinical testing. Allele origin: germline. Affected: yes.
Comment: Has not been previously published as pathogenic or benign to our knowledge; Not observed in large population cohorts (Lek et al., 2016); In silico analysis supports that this missense variant does not alter protein structure/function

Literature cited by the submitters: PubMed 9100224 (cited by 3billion).